The following is an entry in ClinVar:

NM_001164508.2(NEB):c.19378G>A (p.Asp6460Asn)

Gene: NEB (nebulin; minus strand). Cytogenetic location: 2q23.3.
Variant type: single nucleotide variant.
Coding change: c.19378G>A on transcript NM_001164508.2 (MANE Select); coding-DNA position 19378, G replaced by A.
Protein change: p.Asp6460Asn; replaces aspartic acid 6460 with asparagine.
Molecular consequence: missense variant.
Genome position (GRCh38, 1-based): chr2:151,554,981, C>T on the plus strand (G>A on the coding strand, the complement: NEB is on the minus strand). VCF-style: chr2-151554981-C-T. GRCh37 (hg19) VCF-style: chr2-152411495-C-T.
Other names: c.14275G>A (NM_004543.4); c.19378G>A, p.Asp6460Asn (NM_001164507.2, NM_001271208.2); c.14275G>A, p.Asp4759Asn (NM_004543.5); short protein forms D4759N, D6460N.
Identifiers: ClinVar variation 969593 (VCV000969593.18), dbSNP rs562175196, ClinGen allele CA1907669.

ClinVar aggregate classification (germline): Conflicting classifications of pathogenicity. Review status: criteria provided, conflicting classifications (1 of 4 stars). 8 submissions from 8 submitters: Uncertain significance (4); Benign (1). 3 of the submissions do not count toward it. Last evaluated 2025-11-20.

Conditions:
NEB-related disorder. Also called: NEB-related condition; NEB-Related Disorders.
Nemaline myopathy 2 (NEM2). Also called: Nemaline myopathy 2, autosomal recessive. Identifiers: MedGen C1850569, MONDO:0009725, OMIM 256030.
Inborn genetic diseases. Identifiers: MedGen C0950123, MeSH D030342.

Allele frequency attached by ClinVar (database versions not stated): gnomAD exomes 0.00005 and 0.00014; ExAC 0.00012; gnomAD 0.00014 and 0.00015; TOPMed 0.00017; 1000 Genomes Project 30x 0.00047; 1000 Genomes Project 0.00060.
gnomAD v4.1: 105 of 1,613,842 alleles (0.0065%); highest among the groups gnomAD compares: Middle Eastern, 0.066%; no homozygotes.

Submissions (8):

PreventionGenetics, part of Exact Sciences
Classification: Uncertain significance for NEB-related condition. Last evaluated: 2025-11-20. Review status: criteria provided, single submitter. Criteria: ACMG Guidelines, 2015. Collection method: clinical testing. Allele origin: germline.
Comment: The NEB c.19378G>A variant is predicted to result in the amino acid substitution p.Asp6460Asn. To our knowledge, this variant has not been reported in the literature. This variant is reported in 0.050% of alleles in individuals of African descent in gnomAD. At this time, the clinical significance of this variant is uncertain due to the absence of conclusive functional and genetic evidence.

Labcorp Genetics (formerly Invitae), Labcorp
Classification: Benign for Nemaline myopathy 2. Last evaluated: 2025-10-28. Review status: criteria provided, single submitter. Criteria: Invitae Variant Classification Sherloc (09022015). Collection method: clinical testing. Allele origin: germline.

Revvity Omics, Revvity
Classification: Uncertain significance. Last evaluated: 2025-04-02. Review status: criteria provided, single submitter. Criteria: ACMG Guidelines, 2015. Collection method: clinical testing. Allele origin: germline.

GeneDx
Classification: Uncertain significance. Last evaluated: 2024-11-21. Review status: criteria provided, single submitter. Criteria: GeneDx Variant Classification Process June 2021. Collection method: clinical testing. Allele origin: germline. Affected: yes.
Comment: In silico analysis supports that this missense variant has a deleterious effect on protein structure/function; Has not been previously published as pathogenic or benign to our knowledge

Ambry Genetics
Classification: Uncertain significance for Inborn genetic diseases. Last evaluated: 2024-04-17. Review status: criteria provided, single submitter. Criteria: Ambry Variant Classification Scheme 2023. Collection method: clinical testing. Allele origin: germline.

Natera, Inc.
Classification: Uncertain significance for Nemaline myopathy type 2. Last evaluated: 2020-01-17. Review status: no assertion criteria provided. Collection method: clinical testing. Allele origin: germline. Not counted in ClinVar's aggregate classification.

Clinical Genetics DNA and cytogenetics Diagnostics Lab, Erasmus MC, Erasmus Medical Center
Classification: Uncertain significance. Review status: no assertion criteria provided. Collection method: clinical testing. Allele origin: germline. Affected: yes. Study: VKGL Data-share Consensus. Not counted in ClinVar's aggregate classification.

Laboratory of Diagnostic Genome Analysis, Leiden University Medical Center (LUMC)
Classification: Uncertain significance. Review status: no assertion criteria provided. Collection method: clinical testing. Allele origin: germline. Affected: yes. Study: VKGL Data-share Consensus. Not counted in ClinVar's aggregate classification.